The following is an entry in ClinVar:

NM_001130438.3(SPTAN1):c.363G>A (p.Arg121=)

Gene: SPTAN1 (spectrin alpha, non-erythrocytic 1; plus strand). Cytogenetic location: 9q34.11.
Variant type: single nucleotide variant.
Coding change: c.363G>A on transcript NM_001130438.3 (MANE Select); coding-DNA position 363, G replaced by A.
Protein change: p.Arg121=; no amino-acid change (arginine 121 retained).
Molecular consequence: synonymous variant.
Genome position (GRCh38, 1-based): chr9:128,568,897, G>A. VCF-style: chr9-128568897-G-A. GRCh37 (hg19) VCF-style: chr9-131331176-G-A.
Other names: c.363G>A, p.Arg121= (NM_001195532.2, NM_001363759.2, NM_001363765.2 and 5 more transcripts); c.399G>A, p.Arg133= (NM_001375312.2, NM_001375318.1).
Identifiers: ClinVar variation 933879 (VCV000933879.8), dbSNP rs1312160720, ClinGen allele CA467294886.

ClinVar aggregate classification (germline): Uncertain significance (1 of 4 stars; one submission).

Conditions:
Early-infantile DEE. Also called: Early infantile epileptic encephalopathy; Ohtahara syndrome; Early infantile epileptic encephalopathy with suppression bursts. Identifiers: Orphanet 1934, MedGen C0393706, MONDO:0800491.

Allele frequency attached by ClinVar (database versions not stated): gnomAD exomes below 0.00001.
gnomAD v4.1: 1 of 1,614,022 alleles (0.000062%); highest among the groups gnomAD compares: Admixed American, 0.0017%; no homozygotes.

Submission:

Labcorp Genetics (formerly Invitae), Labcorp
Classification: Uncertain significance for Early-infantile DEE. Last evaluated: 2024-02-23. Review status: criteria provided, single submitter. Criteria: Invitae Variant Classification Sherloc (09022015). Collection method: clinical testing. Allele origin: germline.
Comment: This sequence change affects codon 121 of the SPTAN1 mRNA. It is a 'silent' change, meaning that it does not change the encoded amino acid sequence of the SPTAN1 protein. This variant also falls at the last nucleotide of exon 3, which is part of the consensus splice site for this exon. This variant is present in population databases (no rsID available, gnomAD 0.003%). This variant has not been reported in the literature in individuals affected with SPTAN1-related conditions. ClinVar contains an entry for this variant (Variation ID: 933879). Variants that disrupt the consensus splice site are a relatively common cause of aberrant splicing (PMID: 17576681, 9536098). Algorithms developed to predict the effect of sequence changes on RNA splicing suggest that this variant is not likely to affect RNA splicing. In summary, the available evidence is currently insufficient to determine the role of this variant in disease. Therefore, it has been classified as a Variant of Uncertain Significance.

Literature cited by the submitters: PubMed 17576681; PubMed 9536098.